The following is an entry in ClinVar:

ClinVar aggregate classification (germline): Uncertain significance (1 of 4 stars; one submission).

Conditions:
Deficiency of transaldolase. Also called: EYAID SYNDROME. Identifiers: Orphanet 101028, MedGen C1291329, MONDO:0011624, OMIM 606003.

Submission:

Baylor Genetics
Classification: Uncertain significance for Deficiency of transaldolase. Last evaluated: 2018-04-20. Review status: criteria provided, single submitter. Criteria: ACMG Guidelines, 2015. Collection method: clinical testing. Allele origin: maternal. Affected: yes.
Comment: This variant was determined to be of uncertain significance according to ACMG Guidelines, 2015 [PMID:25741868].

NM_006755.2(TALDO1):c.330-10_330delinsAGA

Gene: TALDO1 (transaldolase 1; plus strand). Cytogenetic location: 11p15.5.
Variant type: Indel.
Coding change: c.330-10_330delinsAGA on transcript NM_006755.2 (MANE Select); 10 bases into the intron before coding-DNA position 330 through coding-DNA position 330, GCTCCTACAGG replaced by AGA.
Molecular consequence: splice acceptor variant.
Genome position (GRCh38, 1-based): chr11:760,112-760,122, GCTCCTACAGG replaced by AGA. VCF-style: chr11-760112-GCTCCTACAGG-AGA. GRCh37 (hg19) VCF-style: chr11-760112-GCTCCTACAGG-AGA.
Identifiers: ClinVar variation 1034304 (VCV001034304.1), dbSNP rs796249314, ClinGen allele CA216957787.